The following is an entry in ClinVar:

NM_001273.5(CHD4):c.4057C>G (p.Arg1353Gly)

Genes: CHD4 (chromodomain helicase DNA binding protein 4; minus strand), CHD4-AS1 (CHD4 antisense RNA 1; plus strand). Cytogenetic location: 12p13.31.
Variant type: single nucleotide variant.
Coding change: c.4057C>G on transcript NM_001273.5 (MANE Select); coding-DNA position 4057, C replaced by G.
Protein change: p.Arg1353Gly; replaces arginine 1353 with glycine.
Molecular consequence: missense variant.
Genome position (GRCh38, 1-based): chr12:6,583,201, G>C on the plus strand (C>G on the coding strand, the complement: CHD4 is on the minus strand). VCF-style: chr12-6583201-G-C. GRCh37 (hg19) VCF-style: chr12-6692367-G-C.
Other names: c.4036C>G, p.Arg1346Gly (NM_001297553.2); c.4018C>G, p.Arg1340Gly (NM_001363606.2); short protein forms R1340G, R1346G, R1353G.
Identifiers: ClinVar variation 2136287 (VCV002136287.1), dbSNP rs1948225827, ClinGen allele CA383576924.
Genomic context (GRCh38, chr12:6,583,201, plus strand): 5'-GGCCCACTGCTCTAGTGGAACGGCCCATGGGTGGGGGGCGGGGCCGGCCACACACACCTC[G>C]GTCCTCCTGGGAGCCATCATTGTAGTTGACCTGTTTACGGATTCTTTTTCCTTTGCCCAG-3'
Protein context (NP_001264.2, residues 1343-1363): VNYNDGSQED[Arg1353Gly]DWQDDQSDNQ

ClinVar aggregate classification (germline): Uncertain significance (1 of 4 stars; one submission).

Submission:

GeneDx
Classification: Uncertain significance. Last evaluated: 2022-06-29. Review status: criteria provided, single submitter. Criteria: GeneDx Variant Classification Process June 2021. Collection method: clinical testing. Allele origin: germline. Affected: yes.
Comment: Not observed at significant frequency in large population cohorts (gnomAD); In silico analysis supports that this missense variant has a deleterious effect on protein structure/function; Has not been previously published as pathogenic or benign to our knowledge